The following is an entry in ClinVar:

NM_016734.3(PAX5):c.658C>T (p.Leu220Phe)

Gene: PAX5 (paired box 5; minus strand). Cytogenetic location: 9p13.2.
Variant type: single nucleotide variant.
Coding change: c.658C>T on transcript NM_016734.3 (MANE Select); coding-DNA position 658, C replaced by T.
Protein change: p.Leu220Phe; replaces leucine 220 with phenylalanine.
Molecular consequence: missense variant. On other transcripts: non-coding transcript variant (2).
Genome position (GRCh38, 1-based): chr9:36,966,671, G>A on the plus strand (C>T on the coding strand, the complement: PAX5 is on the minus strand). VCF-style: chr9-36966671-G-A. GRCh37 (hg19) VCF-style: chr9-36966668-G-A.
Other names: c.658C>T, p.Leu220Phe (NM_001280547.2, NM_001280548.2, NM_001280549.2 and 2 more transcripts); c.334C>T, p.Leu112Phe (NM_001280551.2, NM_001280556.2); c.529C>T, p.Leu177Phe (NM_001280553.2, NM_001280554.2); c.460C>T, p.Leu154Phe (NM_001280555.2); short protein forms L112F, L220F, L154F, L177F.
Identifiers: ClinVar variation 4626957 (VCV004626957.1).

ClinVar aggregate classification (germline): Uncertain significance (1 of 4 stars; one submission).

Conditions:
Inborn genetic diseases. Identifiers: MedGen C0950123, MeSH D030342.

gnomAD v4.1: 7 of 1,614,214 alleles (0.00043%); highest among the groups gnomAD compares: Admixed American, 0.0033%; no homozygotes.

Submission:

Ambry Genetics
Classification: Uncertain significance for Inborn genetic diseases. Last evaluated: 2025-11-05. Review status: criteria provided, single submitter. Criteria: Ambry Variant Classification Scheme 2023. Collection method: clinical testing. Allele origin: germline.
Comment: The p.L220F variant (also known as c.658C>T), located in coding exon 6 of the PAX5 gene, results from a C to T substitution at nucleotide position 658. The leucine at codon 220 is replaced by phenylalanine, an amino acid with highly similar properties. This amino acid position is conserved. In addition, this alteration is predicted to be deleterious by in silico analysis. Based on the available evidence, the clinical significance of this variant remains unclear.